The following is an entry in ClinVar:

NM_001083926.2(ASRGL1):c.640G>A (p.Gly214Arg)

Gene: ASRGL1 (asparaginase and isoaspartyl peptidase 1; plus strand). Cytogenetic location: 11q12.3.
Variant type: single nucleotide variant.
Coding change: c.640G>A on transcript NM_001083926.2 (MANE Select); coding-DNA position 640, G replaced by A.
Protein change: p.Gly214Arg; replaces glycine 214 with arginine.
Molecular consequence: missense variant.
Genome position (GRCh38, 1-based): chr11:62,391,551, G>A. VCF-style: chr11-62391551-G-A. GRCh37 (hg19) VCF-style: chr11-62159023-G-A.
Other names: c.640G>A (NM_001083926.1); c.640G>A, p.Gly214Arg (NM_025080.4); short protein forms G214R.
Identifiers: ClinVar variation 1380877 (VCV001380877.7), dbSNP rs752242890, ClinGen allele CA6043301.

ClinVar aggregate classification (germline): Uncertain significance. Review status: criteria provided, multiple submitters, no conflicts (2 of 4 stars). 2 submissions from 2 submitters: Uncertain significance (2). Last evaluated 2025-03-25.

Allele frequency attached by ClinVar (database versions not stated): gnomAD 0.00001; gnomAD exomes 0.00001; TOPMed 0.00002; ExAC 0.00003.
gnomAD v4.1: 8 of 1,612,338 alleles (0.0005%); highest among the groups gnomAD compares: Admixed American, 0.0084%; no homozygotes.

Submissions (2):

Ambry Genetics
Classification: Uncertain significance. Last evaluated: 2025-03-25. Review status: criteria provided, single submitter. Criteria: Ambry Variant Classification Scheme 2023. Collection method: clinical testing. Allele origin: germline.

Labcorp Genetics (formerly Invitae), Labcorp
Classification: Uncertain significance. Last evaluated: 2021-09-12. Review status: criteria provided, single submitter. Criteria: Invitae Variant Classification Sherloc (09022015). Collection method: clinical testing. Allele origin: germline.
Comment: In summary, the available evidence is currently insufficient to determine the role of this variant in disease. Therefore, it has been classified as a Variant of Uncertain Significance. Algorithms developed to predict the effect of sequence changes on RNA splicing suggest that this variant may create or strengthen a splice site. Algorithms developed to predict the effect of missense changes on protein structure and function (SIFT, PolyPhen-2, Align-GVGD) all suggest that this variant is likely to be disruptive. This variant has not been reported in the literature in individuals affected with ASRGL1-related conditions. This variant is present in population databases (rs752242890, ExAC 0.02%). This sequence change replaces glycine with arginine at codon 214 of the ASRGL1 protein (p.Gly214Arg). The glycine residue is highly conserved and there is a moderate physicochemical difference between glycine and arginine.